The following is an entry in ClinVar:

ClinVar aggregate classification (germline): Pathogenic (0 of 4 stars; one submission).

Conditions:
Sotos syndrome (SOTOS). Also called: Sotos' syndrome; CEREBRAL GIGANTISM; CHROMOSOME 5q35 DELETION SYNDROME; SOTOS SYNDROME 1; Distinctive facial appearance, overgrowth in childhood, and learning disabilities or delayed development. Identifiers: Orphanet 821, MedGen C0175695, MONDO:0019349, OMIM 117550.

Submission:

Institute of Human Genetics, Heidelberg University
Classification: Pathogenic for Sotos syndrome. Last evaluated: 2020-07-03. Review status: no assertion criteria provided. Collection method: clinical testing. Allele origin: de novo. Inheritance: Sporadic. Affected: yes. Observed: 1 variant allele, 1 heterozygote.
Comment: Genomic copy number losses including NSD1 are a well known cause of Sotos syndrome. The copy number loss occurred the novo and it is absent from controls (database dgv).

GRCh37/hg19 5q35.2-35.3(chr5:175346695-177469711)x1

Genes: ARL10 (ARF like GTPase 10; plus strand), B4GALT7 (beta-1,4-galactosyltransferase 7; plus strand), CDHR2 (cadherin related family member 2; plus strand), CLTB (clathrin light chain B; minus strand), DBN1 (drebrin 1; minus strand) and 35 more. Cytogenetic location: 5q35.2-35.3.
Variant type: copy number loss.
Change: copy number 1 (one copy instead of two) of chr5:175,346,695-177,469,711 (2.12 Mb, GRCh37 coordinates, 1-based), cytogenetic band 5q35.2-35.3.
Identifiers: ClinVar variation 975831 (VCV000975831.3).